The following is an entry in ClinVar:

ClinVar aggregate classification (germline): Uncertain significance. Review status: criteria provided, multiple submitters, no conflicts (2 of 4 stars). 3 submissions from 3 submitters: Uncertain significance (3). Last evaluated 2024-10-15.

Conditions:
Autosomal dominant limb-girdle muscular dystrophy type 1D (DNAJB6) (LGMDD1). Also called: Autosomal dominant limb-girdle muscular dystrophy type 1D; MUSCULAR DYSTROPHY, LIMB-GIRDLE, TYPE 1D; Muscular dystrophy, limb-girdle, autosomal dominant 1; MUSCULAR DYSTROPHY, AUTOSOMAL DOMINANT, WITH RIMMED VACUOLES. Identifiers: Orphanet 34516, MedGen C4721885, MONDO:0021018, OMIM 603511.
Inborn genetic diseases. Identifiers: MedGen C0950123, MeSH D030342.

Allele frequency attached by ClinVar (database versions not stated): gnomAD exomes 0.00002; gnomAD 0.00003 and 0.00005; ExAC 0.00008; TOPMed 0.00012.
gnomAD v4.1: 18 of 1,534,936 alleles (0.0012%); highest among the groups gnomAD compares: African/African-American, 0.025%; no homozygotes.

Submissions (3):

Labcorp Genetics (formerly Invitae), Labcorp
Classification: Uncertain significance for Autosomal dominant limb-girdle muscular dystrophy type 1D (DNAJB6). Last evaluated: 2024-10-15. Review status: criteria provided, single submitter. Criteria: Invitae Variant Classification Sherloc (09022015). Collection method: clinical testing. Allele origin: germline.
Comment: This sequence change replaces glycine, which is neutral and non-polar, with alanine, which is neutral and non-polar, at codon 290 of the DNAJB6 protein (p.Gly290Ala). This variant is present in population databases (rs765439077, gnomAD 0.03%). This variant has not been reported in the literature in individuals affected with DNAJB6-related conditions. ClinVar contains an entry for this variant (Variation ID: 646310). Invitae Evidence Modeling of protein sequence and biophysical properties (such as structural, functional, and spatial information, amino acid conservation, physicochemical variation, residue mobility, and thermodynamic stability) indicates that this missense variant is not expected to disrupt DNAJB6 protein function with a negative predictive value of 80%. In summary, the available evidence is currently insufficient to determine the role of this variant in disease. Therefore, it has been classified as a Variant of Uncertain Significance.

Ambry Genetics
Classification: Uncertain significance for Inborn genetic diseases. Last evaluated: 2024-09-04. Review status: criteria provided, single submitter. Criteria: Ambry Variant Classification Scheme 2023. Collection method: clinical testing. Allele origin: germline.

GeneDx
Classification: Uncertain significance. Last evaluated: 2022-05-18. Review status: criteria provided, single submitter. Criteria: GeneDx Variant Classification Process June 2021. Collection method: clinical testing. Allele origin: germline. Affected: yes.
Comment: Missense variants in this gene are often considered pathogenic (HGMD); In silico analysis supports that this missense variant does not alter protein structure/function; Has not been previously published as pathogenic or benign to our knowledge

NM_058246.4(DNAJB6):c.869G>C (p.Gly290Ala)

Gene: DNAJB6 (DnaJ heat shock protein family (Hsp40) member B6; plus strand). Cytogenetic location: 7q36.3.
Variant type: single nucleotide variant.
Coding change: c.869G>C on transcript NM_058246.4 (MANE Select); coding-DNA position 869, G replaced by C.
Protein change: p.Gly290Ala; replaces glycine 290 with alanine.
Molecular consequence: missense variant.
Genome position (GRCh38, 1-based): chr7:157,409,972, G>C. VCF-style: chr7-157409972-G-C. GRCh37 (hg19) VCF-style: chr7-157202666-G-C.
Other names: c.524G>C, p.Gly175Ala (NM_001363676.1); short protein forms G175A, G290A.
Identifiers: ClinVar variation 646310 (VCV000646310.11), dbSNP rs765439077, ClinGen allele CA4590657.